The following is an entry in ClinVar:

NM_001162501.2(TNRC6B):c.4479C>G (p.Asp1493Glu)

Gene: TNRC6B (trinucleotide repeat containing adaptor 6B; plus strand). Cytogenetic location: 22q13.1.
Variant type: single nucleotide variant.
Coding change: c.4479C>G on transcript NM_001162501.2 (MANE Select); coding-DNA position 4479, C replaced by G.
Protein change: p.Asp1493Glu; replaces aspartic acid 1493 with glutamic acid.
Molecular consequence: missense variant.
Genome position (GRCh38, 1-based): chr22:40,312,548, C>G. VCF-style: chr22-40312548-C-G. GRCh37 (hg19) VCF-style: chr22-40708552-C-G.
Other names: c.2067C>G, p.Asp689Glu (NM_001024843.2); c.4149C>G, p.Asp1383Glu (NM_015088.3); short protein forms D1383E, D1493E, D689E.
Identifiers: ClinVar variation 1699732 (VCV001699732.2), dbSNP rs2146565638, ClinGen allele CA411667209.

ClinVar aggregate classification (germline): Uncertain significance (1 of 4 stars; one submission).

Submission:

GeneDx
Classification: Uncertain significance. Last evaluated: 2022-01-26. Review status: criteria provided, single submitter. Criteria: GeneDx Variant Classification Process June 2021. Collection method: clinical testing. Allele origin: germline. Affected: yes.
Comment: Has not been previously published as pathogenic or benign to our knowledge; Not observed at significant frequency in large population cohorts (gnomAD); In silico analysis supports that this missense variant has a deleterious effect on protein structure/function